The following is an entry in ClinVar:

ClinVar aggregate classification (germline): Conflicting classifications of pathogenicity. Review status: criteria provided, conflicting classifications (1 of 4 stars). 6 submissions from 5 submitters: Uncertain significance (3); Likely benign (1). 2 of the submissions do not count toward it. Last evaluated 2025-08-17.

Conditions:
Pheochromocytoma. Also called: MAX-Related Hereditary Paraganglioma-Pheochromocytoma Syndrome. Identifiers: Orphanet 29072, MedGen C0031511, MONDO:0008233, OMIM 171300, HP:0002666.
Hirschsprung disease, susceptibility to, 1 (HSCR1). Also called: RET-Related Hirschsprung Disease. Identifiers: Orphanet 388, MedGen C3888239, MONDO:0007723, OMIM 142623.
Familial medullary thyroid carcinoma (MTC). Also called: Thyroid cancer, familial medullary; MTC, familial; Familial Medullary Thyroid Carcinoma (FMTC). Identifiers: Orphanet 653, Orphanet 99361, MedGen C1833921, MONDO:0007958, OMIM 155240.
Multiple endocrine neoplasia type 2B. Also called: WAGENMANN-FROBOESE SYNDROME; MULTIPLE ENDOCRINE NEOPLASIA, TYPE III; MEN 2B; MUCOSAL NEUROMA SYNDROME; MULTIPLE ENDOCRINE NEOPLASIA, TYPE IIB; MEN IIB. Identifiers: Orphanet 247709, Orphanet 653, MedGen C0025269, MeSH D018814, MONDO:0008082, OMIM 162300.
Multiple endocrine neoplasia type 2A. Also called: MULTIPLE ENDOCRINE NEOPLASIA, TYPE IIA; PTC SYNDROME; SIPPLE SYNDROME; MEN 2A; MEN-2A syndrome; Pheochromocytoma and amyloid producing medullary thyroid carcinoma. Identifiers: Orphanet 247698, Orphanet 653, MedGen C0025268, MeSH D018813, MONDO:0008234, OMIM 171400.
Hereditary cancer-predisposing syndrome. Also called: Tumor predisposition; Hereditary neoplastic syndrome; Neoplastic Syndromes, Hereditary; Hereditary Cancer Syndrome. Identifiers: Orphanet 140162, MedGen C0027672, MeSH D009386, MONDO:0015356.
Multiple endocrine neoplasia, type 2 (MEN2). Identifiers: Orphanet 653, MedGen C4048306, MONDO:0019003. Disease mechanism: gain of function.

Allele frequency attached by ClinVar (database versions not stated): gnomAD 0.00003; ESP Exome Variant Server 0.00008; gnomAD exomes below 0.00001 and 0.00001; ExAC 0.00001; TOPMed 0.00002.
gnomAD v4.1: 17 of 1,607,168 alleles (0.0011%); highest among the groups gnomAD compares: Non-Finnish European, 0.0014%; no homozygotes.

Submissions (6):

Labcorp Genetics (formerly Invitae), Labcorp
Classification: Uncertain significance for Multiple endocrine neoplasia, type 2. Last evaluated: 2025-08-17. Review status: criteria provided, single submitter. Criteria: Invitae Variant Classification Sherloc (09022015). Collection method: clinical testing. Allele origin: germline.
Comment: This sequence change replaces histidine, which is basic and polar, with arginine, which is basic and polar, at codon 103 of the RET protein (p.His103Arg). The frequency data for this variant in the population databases is considered unreliable, as metrics indicate poor data quality at this position in the gnomAD database. This variant has not been reported in the literature in individuals affected with RET-related conditions. ClinVar contains an entry for this variant (Variation ID: 216724). An algorithm developed to predict the effect of missense changes on protein structure and function outputs the following: PolyPhen-2: "Benign". The arginine amino acid residue is found in multiple mammalian species, which suggests that this missense change does not adversely affect protein function. In summary, the available evidence is currently insufficient to determine the role of this variant in disease. Therefore, it has been classified as a Variant of Uncertain Significance.

Fulgent Genetics
Classification: Uncertain significance for Hirschsprung disease, susceptibility to, 1; Familial medullary thyroid carcinoma; Multiple endocrine neoplasia type 2B; Pheochromocytoma; Multiple endocrine neoplasia type 2A. Last evaluated: 2024-06-20. Review status: criteria provided, single submitter. Criteria: ACMG Guidelines, 2015. Collection method: clinical testing. Allele origin: germline.

All of Us Research Program, National Institutes of Health
Classification: Uncertain significance for Multiple endocrine neoplasia, type 2. Last evaluated: 2023-10-27. Review status: criteria provided, single submitter. Criteria: ACMG Guidelines, 2015. Collection method: clinical testing. Allele origin: germline. Inheritance: Autosomal dominant inheritance. Observed: 2 variant alleles, 2 heterozygotes.
Comment: This missense variant replaces histidine with arginine at codon 103 of the RET protein. Computational prediction suggests that this variant may not impact protein structure and function (internally defined REVEL score threshold <= 0.5, PMID: 27666373). To our knowledge, functional studies have not been reported for this variant. This variant has not been reported in individuals affected with RET-related disorders in the literature. This variant has been identified in 1/234344 chromosomes in the general population by the Genome Aggregation Database (gnomAD). The available evidence is insufficient to determine the role of this variant in disease conclusively. Therefore, this variant is classified as a Variant of Uncertain Significance.

This study involves interpretation of variants in research participants for the purpose of population health screening. Participant phenotype was not available at the time of variant classification. Additional details can be found in publication PMID: 35346344, PMCID: PMC8962531

Ambry Genetics
Classification: Likely benign for Hereditary cancer-predisposing syndrome. Last evaluated: 2022-09-26. Review status: criteria provided, single submitter. Criteria: Ambry Variant Classification Scheme 2023. Collection method: clinical testing. Allele origin: germline.

Counsyl
Classification: Uncertain significance for Multiple endocrine neoplasia type 2B. Last evaluated: 2016-10-18. Review status: no assertion criteria provided. Collection method: clinical testing. Allele origin: unknown. Not counted in ClinVar's aggregate classification.

Counsyl
Classification: Uncertain significance for Multiple endocrine neoplasia type 2A. Last evaluated: 2016-10-18. Review status: no assertion criteria provided. Collection method: clinical testing. Allele origin: unknown. Not counted in ClinVar's aggregate classification.

NM_020975.6(RET):c.308A>G (p.His103Arg)

Gene: RET (ret proto-oncogene; plus strand). Cytogenetic location: 10q11.21.
Variant type: single nucleotide variant.
Coding change: c.308A>G on transcript NM_020975.6 (MANE Select); coding-DNA position 308, A replaced by G.
Protein change: p.His103Arg; replaces histidine 103 with arginine.
Molecular consequence: missense variant.
Genome position (GRCh38, 1-based): chr10:43,100,693, A>G. VCF-style: chr10-43100693-A-G. GRCh37 (hg19) VCF-style: chr10-43596141-A-G.
Other names: c.308A>G, p.His103Arg (NM_000323.2, NM_001406743.1, NM_001406744.1 and 34 more transcripts); short protein forms H103R.
Identifiers: ClinVar variation 216724 (VCV000216724.16), dbSNP rs375390467, ClinGen allele CA042516.